The following is an entry in ClinVar:

ClinVar aggregate classification (germline): Likely benign (1 of 4 stars; one submission).

Allele frequency attached by ClinVar (database versions not stated): TOPMed 0.00023; 1000 Genomes Project 30x 0.00031.
gnomAD v4.1: 66 of 1,529,302 alleles (0.0043%); highest among the groups gnomAD compares: African/African-American, 0.079%; no homozygotes.

Submission:

GeneDx
Classification: Likely benign. Last evaluated: 2017-09-20. Review status: criteria provided, single submitter. Criteria: GeneDx Variant Classification (06012015). Collection method: clinical testing. Allele origin: germline. Affected: yes.
Comment: This variant is considered likely benign or benign based on one or more of the following criteria: it is a conservative change, it occurs at a poorly conserved position in the protein, it is predicted to be benign by multiple in silico algorithms, and/or has population frequency not consistent with disease.

NM_000100.4(CSTB):c.-13C>G

Genes: CSTB (cystatin B; minus strand), LOC130066788 (ATAC-STARR-seq lymphoblastoid silent region 13368; plus strand). Cytogenetic location: 21q22.3.
Variant type: single nucleotide variant.
Coding change: c.-13C>G on transcript NM_000100.4 (MANE Select); 13 bases upstream of the start codon, C replaced by G.
Molecular consequence: 5 prime UTR variant.
Genome position (GRCh38, 1-based): chr21:43,776,282, G>C on the plus strand (C>G on the coding strand, the complement: CSTB is on the minus strand). VCF-style: chr21-43776282-G-C. GRCh37 (hg19) VCF-style: chr21-45196163-G-C.
Identifiers: ClinVar variation 205324 (VCV000205324.1), dbSNP rs770995817, ClinGen allele CA314282.